The following is an entry in ClinVar:

NM_000090.4(COL3A1):c.3518G>A (p.Gly1173Glu)

Gene: COL3A1 (collagen type III alpha 1 chain; plus strand). Cytogenetic location: 2q32.2.
Variant type: single nucleotide variant.
Coding change: c.3518G>A on transcript NM_000090.4 (MANE Select); coding-DNA position 3518, G replaced by A.
Protein change: p.Gly1173Glu; replaces glycine 1173 with glutamic acid.
Molecular consequence: missense variant.
Genome position (GRCh38, 1-based): chr2:189,008,135, G>A. VCF-style: chr2-189008135-G-A. GRCh37 (hg19) VCF-style: chr2-189872861-G-A.
Other names: G1006E.
Identifiers: ClinVar variation 17217 (VCV000017217.11), dbSNP rs121912918, ClinGen allele CA006567.

ClinVar aggregate classification (germline): Likely pathogenic. Review status: criteria provided, single submitter (1 of 4 stars). 3 submissions from 3 submitters: Likely pathogenic (1). 2 of the submissions do not count toward it. Last evaluated 2018-10-16.

Conditions:
Ehlers-Danlos syndrome, type 4 (EDSVASC). Also called: Ehlers-Danlos syndrome vascular type; Ehlers Danlos syndrome, ecchymotic type; Ehlers Danlos syndrome, arterial type; Ehlers Danlos syndrome, Sack-Barabas type; Ehlers-Danlos Syndrome Type IV. Identifiers: Orphanet 286, MedGen C0268338, MONDO:0017314, OMIM 130050.

Submissions (3):

Labcorp Genetics (formerly Invitae), Labcorp
Classification: Likely pathogenic for Ehlers-Danlos syndrome, type 4. Last evaluated: 2018-10-16. Review status: criteria provided, single submitter. Criteria: Invitae Variant Classification Sherloc (09022015). Collection method: clinical testing. Allele origin: germline.
Comment: Glycine residues within the Gly-Xaa-Yaa repeats of the triple helix domain are required for the structure and stability of fibrillar collagens (PMID: 7695699, 8218237, 19344236). In COL3A1, missense variants at these glycine residues are significantly enriched in individuals with disease (PMID: 24922459, 25758994) compared to the general population (ExAC). In summary, the currently available evidence indicates that the variant is pathogenic, but additional data are needed to prove that conclusively. Therefore, this variant has been classified as Likely Pathogenic. This variant has been observed in several individuals affected with Ehlers-Danlos syndrome or with clinical features of this disease (PMID: 1357232, 24922459, 10923041). This variant is also known as Gly1006Glu in the literature. ClinVar contains an entry for this variant (Variation ID: 17217). This variant is not present in population databases (ExAC no frequency). This sequence change replaces glycine with glutamic acid at codon 1173 of the COL3A1 protein (p.Gly1173Glu). The glycine residue is highly conserved and there is a moderate physicochemical difference between glycine and glutamic acid.

OMIM
Classification: Pathogenic for EHLERS-DANLOS SYNDROME, VASCULAR TYPE. Last evaluated: 1992-01-01. Review status: no assertion criteria provided. Collection method: literature only. Allele origin: germline. Not counted in ClinVar's aggregate classification.

Collagen Diagnostic Laboratory, University of Washington
Classification: Pathogenic for Ehlers-Danlos syndrome, type 4. Review status: no assertion criteria provided. Collection method: clinical testing. Allele origin: germline. Affected: yes. Not counted in ClinVar's aggregate classification.

Literature cited by the submitters: PubMed 7695699 (cited by Labcorp Genetics (formerly Invitae), Labcorp); PubMed 8218237 (cited by Labcorp Genetics (formerly Invitae), Labcorp); PubMed 19344236 (cited by Labcorp Genetics (formerly Invitae), Labcorp); PubMed 24922459 (cited by Labcorp Genetics (formerly Invitae), Labcorp); PubMed 25758994 (cited by Labcorp Genetics (formerly Invitae), Labcorp); PubMed 1357232 (cited by Labcorp Genetics (formerly Invitae), Labcorp and OMIM); PubMed 10923041 (cited by Labcorp Genetics (formerly Invitae), Labcorp); PubMed 6477831 (cited by OMIM).